The following is an entry in ClinVar:

ClinVar aggregate classification (germline): Conflicting classifications of pathogenicity. Review status: criteria provided, conflicting classifications (1 of 4 stars). 6 submissions from 6 submitters: Pathogenic (1); Uncertain significance (5). Last evaluated 2026-04-14.

Conditions:
Familial intrahepatic cholestasis. Identifiers: Orphanet 284385, MedGen CN296401, MONDO:0017290.
Progressive familial intrahepatic cholestasis type 2. Identifiers: Orphanet 79304, MedGen C3489789, MONDO:0011156, OMIM 601847.
ABCB11-related disorder. Also called: ABCB11-related condition.
Benign recurrent intrahepatic cholestasis type 2 (BRIC2). Also called: Recurrent familial intrahepatic cholestasis 2. Identifiers: Orphanet 65682, Orphanet 99961, MedGen C2608083, MONDO:0011559, OMIM 605479.

Allele frequency attached by ClinVar (database versions not stated): gnomAD exomes 0.00001 and 0.00003; ExAC 0.00002; TOPMed 0.00002.
gnomAD v4.1: 10 of 1,611,562 alleles (0.00062%); highest among the groups gnomAD compares: Admixed American, 0.013%; no homozygotes.

Submissions (6):

Genomenon, Inc
Classification: Uncertain significance for Familial intrahepatic cholestasis. Last evaluated: 2026-04-14. Review status: criteria provided, single submitter. Criteria: Genomenon Sequence Variant Interpretation Standards - Updated. Collection method: curation. Allele origin: germline. Affected: yes.
Comment: ABCB11 p.Leu233Ser (c.698T>C) is a missense variant that changes the amino acid at residue 233 from Leucine to Serine. This variant has been observed in at least one proband with an ABCB11-related disorder (PMID:32647738;32087350;23548013). It is absent or not present at a significant frequency in gnomAD. In silico models predict that this variant is possibly or probably damaging. In conclusion, we classify ABCB11 p.Leu233Ser (c.698T>C) as a variant of uncertain significance.

Labcorp Genetics (formerly Invitae), Labcorp
Classification: Uncertain significance. Last evaluated: 2025-07-13. Review status: criteria provided, single submitter. Criteria: Invitae Variant Classification Sherloc (09022015). Collection method: clinical testing. Allele origin: germline.
Comment: This sequence change replaces leucine, which is neutral and non-polar, with serine, which is neutral and polar, at codon 233 of the ABCB11 protein (p.Leu233Ser). This variant is present in population databases (rs758339239, gnomAD 0.02%). This missense change has been observed in individual(s) with clinical features of bile salt export pump deficiency (PMID: 23548013). ClinVar contains an entry for this variant (Variation ID: 594332). Invitae Evidence Modeling of protein sequence and biophysical properties (such as structural, functional, and spatial information, amino acid conservation, physicochemical variation, residue mobility, and thermodynamic stability) indicates that this missense variant is not expected to disrupt ABCB11 protein function with a negative predictive value of 80%. In summary, the available evidence is currently insufficient to determine the role of this variant in disease. Therefore, it has been classified as a Variant of Uncertain Significance.

PreventionGenetics, part of Exact Sciences
Classification: Uncertain significance for ABCB11-related condition. Last evaluated: 2025-04-22. Review status: criteria provided, single submitter. Criteria: ACMG Guidelines, 2015. Collection method: clinical testing. Allele origin: germline.
Comment: The ABCB11 c.698T>C variant is predicted to result in the amino acid substitution p.Leu233Ser. This variant was reported in a patient with progressive familial intrahepatic cholestasis who was also positive for a second potentially pathogenic variant in ABCB11 (phase was not explicitly reported) (Jaquotot-Herranz et al 2013. PubMed ID: 23548013). This variant is reported in 0.018% of alleles in individuals of Latino descent in gnomAD. Although we suspect that this variant may be pathogenic, at this time, the clinical significance of this variant is uncertain due to the absence of conclusive functional and genetic evidence.

Broad Center for Mendelian Genomics, Broad Institute of MIT and Harvard
Classification: Uncertain significance for Progressive familial intrahepatic cholestasis type 2. Last evaluated: 2025-01-30. Review status: criteria provided, single submitter. Criteria: ACMG Guidelines, 2015. Collection method: curation. Allele origin: germline. Inheritance: Autosomal recessive inheritance.
Comment: The p.Leu233Ser variant in ABCB11 has been reported in at least three individuals with BSEP deficiency (PMID: 23548013;:10.33612:diss.133430251), and has been identified in 0.01% (8/59736) of Latino/Admixed American chromosomes by the Genome Aggregation Database (gnomAD; dbSNP rs758339239). Although this variant has been seen in the general population in a heterozygous state, its frequency is low enough to be consistent with a recessive carrier frequency. This variant has also been reported in ClinVar (Variation ID: 594332) and has been interpreted as a variant of uncertain significance by Eurofins Ntd Llc (ga). Of the three affected individuals, two were compound heterozygotes that carried a reported likely pathogenic variant with unknown phase, which increases the likelihood that the p.Leu233Ser variant is pathogenic (PMID: 23548013;:10.33612:diss.133430251). Computational prediction tools and conservation analyses suggest that this variant may impact the protein, though this information is not predictive enough to determine pathogenicity. In summary, the clinical significance of the p.Leu233Ser variant is uncertain. ACMG/AMP Criteria applied: PM3_supporting, PM2_supporting, PP3 (Richards 2015).

Baylor Genetics
Classification: Pathogenic for Benign recurrent intrahepatic cholestasis type 2. Last evaluated: 2023-10-18. Review status: criteria provided, single submitter. Criteria: ACMG Guidelines, 2015. Collection method: clinical testing. Allele origin: unknown.

Eurofins Ntd Llc (ga)
Classification: Uncertain significance. Last evaluated: 2018-07-09. Review status: criteria provided, single submitter. Criteria: EGL ClinVar v180209 classification definitions. Collection method: clinical testing. Allele origin: germline. Observed: 4 variant alleles, 4 heterozygotes.

Literature cited by the submitters: PubMed 32647738 (cited by Genomenon, Inc); PubMed 32087350 (cited by Genomenon, Inc); PubMed 23548013 (cited by Genomenon, Inc and Labcorp Genetics (formerly Invitae), Labcorp).

NM_003742.4(ABCB11):c.698T>C (p.Leu233Ser)

Gene: ABCB11 (ATP binding cassette subfamily B member 11; minus strand). Cytogenetic location: 2q31.1.
Variant type: single nucleotide variant.
Coding change: c.698T>C on transcript NM_003742.4 (MANE Select); coding-DNA position 698, T replaced by C.
Protein change: p.Leu233Ser; replaces leucine 233 with serine.
Molecular consequence: missense variant.
Genome position (GRCh38, 1-based): chr2:168,993,796, A>G on the plus strand (T>C on the coding strand, the complement: ABCB11 is on the minus strand). VCF-style: chr2-168993796-A-G. GRCh37 (hg19) VCF-style: chr2-169850306-A-G.
Other names: NM_003742.4(ABCB11):c.698T>C; p.Leu233Ser; c.698T>C, p.Leu233Ser (LRG_1199t1); c.698T>C (NM_003742.2); short protein forms L233S.
Identifiers: ClinVar variation 594332 (VCV000594332.12), dbSNP rs758339239, ClinGen allele CA1951811.